The following is an entry in ClinVar:

ClinVar aggregate classification (germline): Uncertain significance (1 of 4 stars; one submission).

Allele frequency attached by ClinVar (database versions not stated): gnomAD exomes below 0.00001.
gnomAD v4.1: 1 of 1,614,090 alleles (0.000062%); highest among the groups gnomAD compares: Non-Finnish European, 0.000085%; no homozygotes.

Submission:

Labcorp Genetics (formerly Invitae), Labcorp
Classification: Uncertain significance. Last evaluated: 2025-01-13. Review status: criteria provided, single submitter. Criteria: Invitae Variant Classification Sherloc (09022015). Collection method: clinical testing. Allele origin: germline.
Comment: This sequence change replaces valine, which is neutral and non-polar, with alanine, which is neutral and non-polar, at codon 270 of the PPOX protein (p.Val270Ala). This variant is not present in population databases (gnomAD no frequency). This variant has not been reported in the literature in individuals affected with PPOX-related conditions. ClinVar contains an entry for this variant (Variation ID: 3001467). Invitae Evidence Modeling of protein sequence and biophysical properties (such as structural, functional, and spatial information, amino acid conservation, physicochemical variation, residue mobility, and thermodynamic stability) has been performed for this missense variant. However, the output from this modeling did not meet the statistical confidence thresholds required to predict the impact of this variant on PPOX protein function. Algorithms developed to predict the effect of sequence changes on RNA splicing suggest that this variant may disrupt the consensus splice site. In summary, the available evidence is currently insufficient to determine the role of this variant in disease. Therefore, it has been classified as a Variant of Uncertain Significance.

NM_001122764.3(PPOX):c.809T>C (p.Val270Ala)

Gene: PPOX (protoporphyrinogen oxidase; plus strand). Cytogenetic location: 1q23.3.
Variant type: single nucleotide variant.
Coding change: c.809T>C on transcript NM_001122764.3 (MANE Select); coding-DNA position 809, T replaced by C.
Protein change: p.Val270Ala; replaces valine 270 with alanine.
Molecular consequence: missense variant.
Genome position (GRCh38, 1-based): chr1:161,169,661, T>C. VCF-style: chr1-161169661-T-C. GRCh37 (hg19) VCF-style: chr1-161139451-T-C.
Other names: c.710T>C, p.Val237Ala (NM_001350128.2); c.401T>C, p.Val134Ala (NM_001350129.2, NM_001365400.1); c.323T>C, p.Val108Ala (NM_001350130.2, NM_001350131.2, NM_001365401.1); c.809T>C, p.Val270Ala (NM_001365398.1, NM_001365399.1, NM_000309.5); short protein forms V108A, V134A, V237A, V270A.
Identifiers: ClinVar variation 3001467 (VCV003001467.3), dbSNP rs2525294551, ClinGen allele CA343355882.